The following is an entry in ClinVar:

NM_007294.4(BRCA1):c.856G>C (p.Glu286Gln)

Gene: BRCA1 (BRCA1 DNA repair associated; minus strand). Cytogenetic location: 17q21.31.
Variant type: single nucleotide variant.
Coding change: c.856G>C on transcript NM_007294.4 (MANE Select); coding-DNA position 856, G replaced by C.
Protein change: p.Glu286Gln; replaces glutamic acid 286 with glutamine.
Molecular consequence: missense variant. On other transcripts: intron variant (137), 5 prime UTR variant (2).
Genome position (GRCh38, 1-based): chr17:43,094,675, C>G on the plus strand (G>C on the coding strand, the complement: BRCA1 is on the minus strand). VCF-style: chr17-43094675-C-G. GRCh37 (hg19) VCF-style: chr17-41246692-C-G.
Other names: c.646G>C, p.Glu216Gln (NM_001407887.1, NM_001407889.1, NM_001407879.1 and 13 more transcripts); c.853G>C, p.Glu285Gln (NM_001407861.1, NM_001407590.1, NM_001407591.1 and 22 more transcripts); c.646+69G>C (NM_001408459.1, NM_001408458.1, NM_001408469.1 and 11 more transcripts); c.655G>C, p.Glu219Gln (NM_001407862.1); c.583+69G>C (NM_001408475.1); c.733G>C, p.Glu245Gln (NM_001407863.1, NM_001407648.1, NM_001407664.1 and 19 more transcripts); c.460+1171G>C (NM_001408506.1, NM_001408507.1); c.577+69G>C (NM_001408480.1, NM_001408481.1, NM_001408482.1 and 9 more transcripts); and 40 more; short protein forms E174Q, E197Q, E216Q, E219Q, E244Q, E118Q, E198Q, E245Q.
Identifiers: ClinVar variation 3992624 (VCV003992624.1).
Genomic context (GRCh38, chr17:43,094,675, plus strand): 5'-TACAGAATTCAGCCTTTTCTACATTCATTCTGTCTTTAGTGAGTAATAAACTGCTGTTCT[C>G]ATGCTGTAATGAGCTGGCATGAGTATTTGTGCCACATGGCTCCACATGCAAGTTTGAAAC-3'
Protein context (NP_009225.1, residues 276-296): TNTHASSLQH[Glu286Gln]NSSLLLTKDR

ClinVar aggregate classification (germline): Uncertain significance (1 of 4 stars; one submission).

Conditions:
Hereditary cancer-predisposing syndrome. Also called: Tumor predisposition; Hereditary neoplastic syndrome; Neoplastic Syndromes, Hereditary; Hereditary Cancer Syndrome. Identifiers: Orphanet 140162, MedGen C0027672, MeSH D009386, MONDO:0015356.

Submission:

Ambry Genetics
Classification: Uncertain significance for Hereditary cancer-predisposing syndrome. Last evaluated: 2025-06-09. Review status: criteria provided, single submitter. Criteria: Ambry Variant Classification Scheme 2023. Collection method: clinical testing. Allele origin: germline.
Comment: The p.E286Q variant (also known as c.856G>C), located in coding exon 9 of the BRCA1 gene, results from a G to C substitution at nucleotide position 856. The glutamic acid at codon 286 is replaced by glutamine, an amino acid with highly similar properties. This amino acid position is highly conserved in available vertebrate species. In addition, the in silico prediction for this alteration is inconclusive. Based on the available evidence, the clinical significance of this variant remains unclear.